The following is an entry in ClinVar:

NM_001042492.3(NF1):c.116A>G (p.Asn39Ser)

Gene: NF1 (neurofibromin 1; plus strand). Cytogenetic location: 17q11.2.
Variant type: single nucleotide variant.
Coding change: c.116A>G on transcript NM_001042492.3 (MANE Select); coding-DNA position 116, A replaced by G.
Protein change: p.Asn39Ser; replaces asparagine 39 with serine.
Molecular consequence: missense variant.
Genome position (GRCh38, 1-based): chr17:31,156,038, A>G. VCF-style: chr17-31156038-A-G. GRCh37 (hg19) VCF-style: chr17-29483056-A-G.
Other names: c.116A>G, p.Asn39Ser (NM_000267.4, NM_001128147.3); short protein forms N39S.
Identifiers: ClinVar variation 1045948 (VCV001045948.8), dbSNP rs1567814494, ClinGen allele CA398988334.

ClinVar aggregate classification (germline): Conflicting classifications of pathogenicity. Review status: criteria provided, conflicting classifications (1 of 4 stars). 2 submissions from 2 submitters: Uncertain significance (1); Likely benign (1). Last evaluated 2026-04-16.

Conditions:
Cardiovascular phenotype. Identifiers: MedGen CN230736.
Hereditary cancer-predisposing syndrome. Also called: Hereditary neoplastic syndrome; Neoplastic Syndromes, Hereditary; Tumor predisposition; Hereditary Cancer Syndrome. Identifiers: Orphanet 140162, MedGen C0027672, MeSH D009386, MONDO:0015356.
Neurofibromatosis, type 1 (NF1). Also called: NEUROFIBROMATOSIS, TYPE I, SOMATIC; Neurofibromatosis, type I; VON RECKLINGHAUSEN DISEASE; Peripheral type neurofibromatosis. Identifiers: Orphanet 636, MedGen C0027831, MONDO:0018975, OMIM 162200. Disease mechanism: loss of function.

Allele frequency attached by ClinVar (database versions not stated): gnomAD exomes below 0.00001.
gnomAD v4.1: 1 of 1,613,808 alleles (0.000062%); highest among the groups gnomAD compares: Non-Finnish European, 0.000085%; no homozygotes.

Submissions (2):

Ambry Genetics
Classification: Likely benign for Cardiovascular phenotype; Hereditary cancer-predisposing syndrome. Last evaluated: 2026-04-16. Review status: criteria provided, single submitter. Criteria: Ambry Variant Classification Scheme 2023. Collection method: clinical testing. Allele origin: germline.

Labcorp Genetics (formerly Invitae), Labcorp
Classification: Uncertain significance for Neurofibromatosis, type 1. Last evaluated: 2024-04-22. Review status: criteria provided, single submitter. Criteria: Invitae Variant Classification Sherloc (09022015). Collection method: clinical testing. Allele origin: germline.
Comment: This sequence change replaces asparagine, which is neutral and polar, with serine, which is neutral and polar, at codon 39 of the NF1 protein (p.Asn39Ser). This variant is not present in population databases (gnomAD no frequency). This variant has not been reported in the literature in individuals affected with NF1-related conditions. ClinVar contains an entry for this variant (Variation ID: 1045948). Advanced modeling of protein sequence and biophysical properties (such as structural, functional, and spatial information, amino acid conservation, physicochemical variation, residue mobility, and thermodynamic stability) has been performed at Invitae for this missense variant, however the output from this modeling did not meet the statistical confidence thresholds required to predict the impact of this variant on NF1 protein function. In summary, the available evidence is currently insufficient to determine the role of this variant in disease. Therefore, it has been classified as a Variant of Uncertain Significance.